The following is an entry in ClinVar:

ClinVar aggregate classification (germline): Uncertain significance (1 of 4 stars; one submission).

Allele frequency attached by ClinVar (database versions not stated): ExAC 0.00002; gnomAD exomes 0.00002; gnomAD 0.00007.
gnomAD v4.1: 24 of 1,603,322 alleles (0.0015%); highest among the groups gnomAD compares: African/African-American, 0.015%; no homozygotes.

Submission:

Labcorp Genetics (formerly Invitae), Labcorp
Classification: Uncertain significance. Last evaluated: 2022-06-27. Review status: criteria provided, single submitter. Criteria: Invitae Variant Classification Sherloc (09022015). Collection method: clinical testing. Allele origin: germline.
Comment: This sequence change replaces serine, which is neutral and polar, with leucine, which is neutral and non-polar, at codon 29 of the TMEM38B protein (p.Ser29Leu). This variant is present in population databases (rs781171810, gnomAD 0.02%). This variant has not been reported in the literature in individuals affected with TMEM38B-related conditions. Algorithms developed to predict the effect of missense changes on protein structure and function are either unavailable or do not agree on the potential impact of this missense change (SIFT: "Tolerated"; PolyPhen-2: "Possibly Damaging"; Align-GVGD: "Class C0"). In summary, the available evidence is currently insufficient to determine the role of this variant in disease. Therefore, it has been classified as a Variant of Uncertain Significance.

NM_018112.3(TMEM38B):c.86C>T (p.Ser29Leu)

Gene: TMEM38B (transmembrane protein 38B; plus strand). Cytogenetic location: 9q31.2.
Variant type: single nucleotide variant.
Coding change: c.86C>T on transcript NM_018112.3 (MANE Select); coding-DNA position 86, C replaced by T.
Protein change: p.Ser29Leu; replaces serine 29 with leucine.
Molecular consequence: missense variant.
Genome position (GRCh38, 1-based): chr9:105,694,746, C>T. VCF-style: chr9-105694746-C-T. GRCh37 (hg19) VCF-style: chr9-108457027-C-T.
Other names: short protein forms S29L.
Identifiers: ClinVar variation 1467085 (VCV001467085.5), dbSNP rs781171810, ClinGen allele CA5170766.